The following is an entry in ClinVar:

NM_001113378.2(FANCI):c.3941A>C (p.His1314Pro)

Genes: FANCI (FA complementation group I; plus strand), POLG (DNA polymerase gamma, catalytic subunit; minus strand). Cytogenetic location: 15q26.1.
Variant type: single nucleotide variant.
Coding change: c.3941A>C on transcript NM_001113378.2 (MANE Select); coding-DNA position 3941, A replaced by C.
Protein change: p.His1314Pro; replaces histidine 1314 with proline.
Molecular consequence: missense variant. On other transcripts: 3 prime UTR variant (2).
Genome position (GRCh38, 1-based): chr15:89,316,413, A>C. VCF-style: chr15-89316413-A-C. GRCh37 (hg19) VCF-style: chr15-89859644-A-C.
Other names: c.*338T>G (NM_002693.3, NM_001126131.2); c.3662A>C, p.His1221Pro (NM_001376910.1); c.3941A>C, p.His1314Pro (NM_001376911.1); c.3761A>C, p.His1254Pro (NM_018193.3); short protein forms H1221P, H1314P, H1254P.
Identifiers: ClinVar variation 3710574 (VCV003710574.2).
Genomic context (GRCh38, chr15:89,316,413, plus strand): 5'-GAGCAGGTTTATCACGTTAGAGCATTAATTCTTTCCCCTTCTAGGGCACTGCATCAGAGC[A>C]TGGGGGACAGAACAAAGAACCAGCCAAGAAGAAAAGGAAAAAATAAATGAAATGCCTGAG-3'
Protein context (NP_001106849.1, residues 1304-1324): DENEEGTASE[His1314Pro]GGQNKEPAKK

ClinVar aggregate classification (germline): Uncertain significance (1 of 4 stars; one submission).

Conditions:
Fanconi anemia (FA). Also called: Fanconi's anemia. Identifiers: Orphanet 84, MedGen C0015625, MeSH D005199, MONDO:0019391.

Submission:

Labcorp Genetics (formerly Invitae), Labcorp
Classification: Uncertain significance for Fanconi anemia. Last evaluated: 2024-12-17. Review status: criteria provided, single submitter. Criteria: Invitae Variant Classification Sherloc (09022015). Collection method: clinical testing. Allele origin: germline.
Comment: This sequence change replaces histidine, which is basic and polar, with proline, which is neutral and non-polar, at codon 1314 of the FANCI protein (p.His1314Pro). This variant is not present in population databases (gnomAD no frequency). This variant has not been reported in the literature in individuals affected with FANCI-related conditions. An algorithm developed to predict the effect of missense changes on protein structure and function outputs the following: PolyPhen-2: "Benign". The proline amino acid residue is found in multiple mammalian species, which suggests that this missense change does not adversely affect protein function. In summary, the available evidence is currently insufficient to determine the role of this variant in disease. Therefore, it has been classified as a Variant of Uncertain Significance.